The following is an entry in ClinVar:

ClinVar aggregate classification (germline): Uncertain significance (1 of 4 stars; one submission).

Conditions:
Gaze palsy, familial horizontal, with progressive scoliosis 1 (HGPPS1). Identifiers: Orphanet 2744, MedGen C4551964, MONDO:0020790, OMIM 607313.

Allele frequency attached by ClinVar (database versions not stated): gnomAD 0.00001 and 0.00005; TOPMed 0.00001; gnomAD exomes 0.00007 and 0.00014; ExAC 0.00013; 1000 Genomes Project 0.00040; 1000 Genomes Project 30x 0.00047.
gnomAD v4.1: 103 of 1,613,992 alleles (0.0064%); highest among the groups gnomAD compares: South Asian, 0.11%; no homozygotes.

Submission:

Victorian Clinical Genetics Services, Murdoch Childrens Research Institute
Classification: Uncertain significance for Gaze palsy, familial horizontal, with progressive scoliosis 1. Last evaluated: 2018-06-17. Review status: criteria provided, single submitter. Criteria: ACMG Guidelines, 2015. Collection method: clinical testing. Allele origin: inherited. Affected: yes. Observed: 3 variant alleles. Clinical features observed: Propionicacidemia (HP:0003571), Hypoplasia of the corpus callosum (HP:0002079), Pontocerebellar atrophy (HP:0006879), Hypospadias, penile (HP:0000047), Multiple renal cysts (HP:0005562), Sacral dimple (HP:0000960), Dolichocephaly (HP:0000268).
Comment: A homozygous missense variant, NM_022370.3(ROBO3):c.1235C>T, has been identified in exon 8 of 28 of the ROBO3 gene. The variant is predicted to result in a moderate amino acid change from threonine to Isoleucine at position 412 of the protein (NP_071765.2(ROBO3):p.(Thr412Ile)). The threonine residue at this position has low conservation (100 vertebrates, UCSC). It is located within the Ig-3 domain functional domain. In-silico predictions of pathogenicity for this variant are conflicting (Polyphen, SIFT, CADD, Mutation Taster). The variant is present in the gnomAD database at a frequency of 0.01%. This variant has not been previously reported in clinical cases. Based on the information available at the time of curation, this variant has been classified as a VARIANT of UNCERTAIN SIGNIFICANCE (VUS).

NM_022370.4(ROBO3):c.1235C>T (p.Thr412Ile)

Gene: ROBO3 (roundabout guidance receptor 3; plus strand). Cytogenetic location: 11q24.2.
Variant type: single nucleotide variant.
Coding change: c.1235C>T on transcript NM_022370.4 (MANE Select); coding-DNA position 1235, C replaced by T.
Protein change: p.Thr412Ile; replaces threonine 412 with isoleucine.
Molecular consequence: missense variant.
Genome position (GRCh38, 1-based): chr11:124,872,457, C>T. VCF-style: chr11-124872457-C-T. GRCh37 (hg19) VCF-style: chr11-124742353-C-T.
Other names: short protein forms T412I.
Identifiers: ClinVar variation 870416 (VCV000870416.2), dbSNP rs537387358, ClinGen allele CA6343438.